The following is an entry in ClinVar:

NM_000520.6(HEXA):c.293_294del (p.Ser98fs)

Gene: HEXA (hexosaminidase subunit alpha; minus strand). Cytogenetic location: 15q23.
Variant type: Microsatellite.
Coding change: c.293_294del on transcript NM_000520.6 (MANE Select); coding-DNA positions 293 to 294, 2 bases deleted (CT; older notation c.293_294delCT).
Protein change: p.Ser98fs; shifts the reading frame from serine 98.
Molecular consequence: frameshift variant. On other transcripts: non-coding transcript variant (1).
Genome position (GRCh38, 1-based): chr15:72,356,577-72,356,578, AG deleted on the plus strand (CT on the coding strand, the reverse complement: HEXA is on the minus strand); deleting any 2 consecutive bases within chr15:72,356,577-72,356,581 gives the same sequence; the c. name uses the placement nearest the transcript's 3' end. VCF-style (leftmost placement, unchanged base first): chr15-72356576-CAG-C. GRCh37 (hg19) VCF-style: chr15-72648917-CAG-C.
Other names: c.326_327del, p.Ser109fs (NM_001318825.2); short protein forms S109fs, S98fs.
Identifiers: ClinVar variation 3638973 (VCV003638973.3).
Genomic context (GRCh38, chr15:72,356,576, plus strand): 5'-GGTACTTACAATTCTCCACTGACTCCAAAGTAGGAAGCTGGTTACATCCAGGTGTGACTA[CAG>C]AGACAACCAACACATTCTTCTCCAGTGTATGCCGTTTCCCTAGGAAGACAGGGTAAGCTT-3'

ClinVar aggregate classification (germline): Pathogenic. Review status: criteria provided, multiple submitters, no conflicts (2 of 4 stars). 2 submissions from 2 submitters: Pathogenic (2). Last evaluated 2025-08-23.

Conditions:
Tay-Sachs disease (TSD). Also called: HEXA DEFICIENCY; GM2 gangliosidosis, type 1; Hexosaminidase alpha-subunit deficiency (variant B); Sphingolipidosis, Tay-Sachs; Hexosaminidase A Deficiency; HEXA Disorders. Identifiers: Orphanet 845, MedGen C0039373, MONDO:0010100, OMIM 272800.

Submissions (2):

Myriad Genetics, Inc.
Classification: Pathogenic for Tay-Sachs disease. Last evaluated: 2025-08-23. Review status: criteria provided, single submitter. Criteria: Myriad Autosomal Dominant, Autosomal Recessive and X-Linked Classification Criteria (2023). Collection method: clinical testing. Allele origin: unknown.
Comment: NM_000520.4(HEXA):c.293_294delCT(S98Cfs*7) is expected to be pathogenic in the context of hexosaminidase A deficiency. This variant is predicted to lead to an abnormal or absent protein product due to the creation of a premature termination codon in HEXA, a gene where loss-of-function variants are known to be pathogenic. Please note: this variant was assessed in the context of healthy population screening.

Labcorp Genetics (formerly Invitae), Labcorp
Classification: Pathogenic for Tay-Sachs disease. Last evaluated: 2024-02-05. Review status: criteria provided, single submitter. Criteria: Invitae Variant Classification Sherloc (09022015). Collection method: clinical testing. Allele origin: germline.
Comment: This sequence change creates a premature translational stop signal (p.Ser98Cysfs*7) in the HEXA gene. It is expected to result in an absent or disrupted protein product. Loss-of-function variants in HEXA are known to be pathogenic (PMID: 1833974, 8490625). This variant is not present in population databases (gnomAD no frequency). This variant has not been reported in the literature in individuals affected with HEXA-related conditions. Algorithms developed to predict the effect of sequence changes on RNA splicing suggest that this variant may disrupt the consensus splice site. For these reasons, this variant has been classified as Pathogenic.

Literature cited by the submitters: PubMed 1833974 (cited by Labcorp Genetics (formerly Invitae), Labcorp); PubMed 8490625 (cited by Labcorp Genetics (formerly Invitae), Labcorp).